The following is an entry in ClinVar:

NM_001287.6(CLCN7):c.99G>T (p.Gly33=)

Genes: CLCN7 (chloride voltage-gated channel 7; minus strand), LOC130058166 (ATAC-STARR-seq lymphoblastoid silent region 6986; plus strand). Cytogenetic location: 16p13.3.
Variant type: single nucleotide variant.
Coding change: c.99G>T on transcript NM_001287.6 (MANE Select); coding-DNA position 99, G replaced by T.
Protein change: p.Gly33=; no amino-acid change (glycine 33 retained).
Molecular consequence: synonymous variant.
Genome position (GRCh38, 1-based): chr16:1,474,876, C>A on the plus strand (G>T on the coding strand, the complement: CLCN7 is on the minus strand). VCF-style: chr16-1474876-C-A. GRCh37 (hg19) VCF-style: chr16-1524877-C-A.
Other names: c.99G>T, p.Gly33= (NM_001114331.3).
Identifiers: ClinVar variation 1417377 (VCV001417377.4), dbSNP rs955486757, ClinGen allele CA276630099.

ClinVar aggregate classification (germline): Uncertain significance (1 of 4 stars; one submission).

Allele frequency attached by ClinVar (database versions not stated): gnomAD 0.00001.
gnomAD v4.1: 3 of 1,443,516 alleles (0.00021%); highest among the groups gnomAD compares: African/African-American, 0.0045%; no homozygotes.

Submission:

Labcorp Genetics (formerly Invitae), Labcorp
Classification: Uncertain significance. Last evaluated: 2025-07-28. Review status: criteria provided, single submitter. Criteria: Invitae Variant Classification Sherloc (09022015). Collection method: clinical testing. Allele origin: germline.
Comment: This sequence change affects codon 33 of the CLCN7 mRNA. It is a 'silent' change, meaning that it does not change the encoded amino acid sequence of the CLCN7 protein. This variant is not present in population databases (gnomAD no frequency). This variant has not been reported in the literature in individuals affected with CLCN7-related conditions. ClinVar contains an entry for this variant (Variation ID: 1417377). Algorithms developed to predict the effect of sequence changes on RNA splicing suggest that this variant may create or strengthen a splice site. In summary, the available evidence is currently insufficient to determine the role of this variant in disease. Therefore, it has been classified as a Variant of Uncertain Significance.